The following is an entry in ClinVar:

ClinVar aggregate classification (germline): Benign (1 of 4 stars; one submission).

Conditions:
Hereditary cancer-predisposing syndrome. Also called: Tumor predisposition; Hereditary Cancer Syndrome; Hereditary neoplastic syndrome; Neoplastic Syndromes, Hereditary. Identifiers: Orphanet 140162, MedGen C0027672, MeSH D009386, MONDO:0015356.

Allele frequency attached by ClinVar (database versions not stated): gnomAD 0.00003; TOPMed 0.00003; gnomAD exomes 0.00011.

Submission:

GeneDx
Classification: Benign for Neoplastic Syndromes, Hereditary. Last evaluated: 2014-05-13. Review status: criteria provided, single submitter. Criteria: GeneDx Variant Classification (06012015). Collection method: clinical testing. Allele origin: germline. Affected: yes.
Comment: The variant is found in BR-OV-HEREDIC panel(s).

NM_000455.5(STK11):c.*22dup

Gene: STK11 (serine/threonine kinase 11; plus strand). Cytogenetic location: 19p13.3.
Variant type: Duplication.
Coding change: c.*22dup on transcript NM_000455.5 (MANE Select); 22 bases downstream of the stop codon, one base duplicated (G; older notation c.*22dupG).
Molecular consequence: 3 prime UTR variant.
Genome position (GRCh38, 1-based): chr19:1,227,598, G duplicated. VCF-style (leftmost placement, unchanged base first): chr19-1227597-T-TG. GRCh37 (hg19) VCF-style: chr19-1227596-T-TG.
Other names: c.*22_*23insG (NM_000455.4).
Identifiers: ClinVar variation 182893 (VCV000182893.1), dbSNP rs730881967, ClinGen allele CA299995.